The following is an entry in ClinVar:

NM_001164508.2(NEB):c.21796_21810del (p.Pro7266_Gln7270del)

Genes: NEB (nebulin; minus strand), RIF1 (replication timing regulatory factor 1; plus strand). Cytogenetic location: 2q23.3.
Variant type: Deletion.
Coding change: c.21796_21810del on transcript NM_001164508.2 (MANE Select); coding-DNA positions 21796 to 21810, 15 bases deleted (CCGGACTTCCTCCAG).
Protein change: p.Pro7266_Gln7270del.
Molecular consequence: inframe deletion.
Genome position (GRCh38, 1-based): chr2:151,527,511-151,527,525, CTGGAGGAAGTCCGG deleted on the plus strand (CCGGACTTCCTCCAG on the coding strand, the reverse complement: NEB is on the minus strand). VCF-style (leftmost placement, unchanged base first): chr2-151527510-CCTGGAGGAAGTCCGG-C. GRCh37 (hg19) VCF-style: chr2-152384024-CCTGGAGGAAGTCCGG-C.
Other names: c.21796_21810del, p.Pro7266_Gln7270del (NM_001164507.2); c.21901_21915del, p.Pro7301_Gln7305del (NM_001271208.2); c.16693_16707del, p.Pro5565_Gln5569del (NM_004543.5).
Identifiers: ClinVar variation 3233272 (VCV003233272.2), dbSNP rs2552131294.

ClinVar aggregate classification (germline): Pathogenic (1 of 4 stars; one submission).

Conditions:
Nemaline myopathy. Also called: Myopathies, Nemaline. Identifiers: Orphanet 607, MedGen C0206157, MONDO:0018958.

Submission:

Muscle and Diseases Team, Institut de Génétique et Biologie Moléculaire et Cellulaire
Classification: Pathogenic for Nemaline myopathy. Last evaluated: 2024-03-01. Review status: criteria provided, single submitter. Criteria: ACMG Guidelines, 2015. Collection method: research. Allele origin: unknown. Affected: yes. Observed: 1 variant allele.
Comment: PVS1+PS3+PM1+PM2+PM3+PP3+PP4

Literature cited by the submitters: DOI 10.1186/s13073-024-01353-0; PubMed 25205138; PubMed 24725366.